The following is an entry in ClinVar:

NM_015272.5(RPGRIP1L):c.3035T>C (p.Met1012Thr)

Gene: RPGRIP1L (RPGRIP1 like; minus strand). Cytogenetic location: 16q12.2.
Variant type: single nucleotide variant.
Coding change: c.3035T>C on transcript NM_015272.5 (MANE Select); coding-DNA position 3035, T replaced by C.
Protein change: p.Met1012Thr; replaces methionine 1012 with threonine.
Molecular consequence: missense variant. On other transcripts: intron variant (2).
Genome position (GRCh38, 1-based): chr16:53,638,335, A>G on the plus strand (T>C on the coding strand, the complement: RPGRIP1L is on the minus strand). VCF-style: chr16-53638335-A-G. GRCh37 (hg19) VCF-style: chr16-53672247-A-G.
Other names: c.3035T>C, p.Met1012Thr (NM_001308334.3); c.2959-481T>C (NM_001127897.4, NM_001330538.2); short protein forms M1012T.
Identifiers: ClinVar variation 2146867 (VCV002146867.2), dbSNP rs1965969623, ClinGen allele CA395926544.
Genomic context (GRCh38, chr16:53,638,335, plus strand): 5'-AAACCTTCCAAAATAATTTTAACACAAATGCATACCTTGGGAACATGTGGAACAGTCAGC[A>G]TATTAATTTCTATTTCTGGTATATGCTCTACCTCTGGTGAAATTTCCTTCCTATCTTCAG-3'
Protein context (NP_056087.2, residues 1002-1022): VEHIPEIEIN[Met1012Thr]LTVPHVPKVS

ClinVar aggregate classification (germline): Uncertain significance (1 of 4 stars; one submission).

Conditions:
Joubert syndrome. Also called: CEREBELLOPARENCHYMAL DISORDER IV; JOUBERT-BOLTSHAUSER SYNDROME; Familial aplasia of the vermis. Identifiers: Orphanet 475, MedGen C5979921, MONDO:0018772.
Meckel-Gruber syndrome. Also called: DYSENCEPHALIA SPLANCHNOCYSTICA; GRUBER SYNDROME; Dysencephalia splachnocystica. Identifiers: Orphanet 564, MedGen C0265215, MONDO:0018921.

Allele frequency attached by ClinVar (database versions not stated): gnomAD exomes below 0.00001; gnomAD 0.00001.

Submission:

Labcorp Genetics (formerly Invitae), Labcorp
Classification: Uncertain significance for Joubert syndrome; Meckel-Gruber syndrome. Last evaluated: 2025-06-12. Review status: criteria provided, single submitter. Criteria: Invitae Variant Classification Sherloc (09022015). Collection method: clinical testing. Allele origin: germline.
Comment: This sequence change replaces methionine, which is neutral and non-polar, with threonine, which is neutral and polar, at codon 1012 of the RPGRIP1L protein (p.Met1012Thr). This variant is not present in population databases (gnomAD no frequency). This variant has not been reported in the literature in individuals affected with RPGRIP1L-related conditions. ClinVar contains an entry for this variant (Variation ID: 2146867). An algorithm developed to predict the effect of missense changes on protein structure and function outputs the following: PolyPhen-2: "Benign". The threonine amino acid residue is found in multiple mammalian species, which suggests that this missense change does not adversely affect protein function. In summary, the available evidence is currently insufficient to determine the role of this variant in disease. Therefore, it has been classified as a Variant of Uncertain Significance.